The following is an entry in ClinVar:

ClinVar aggregate classification (germline): Uncertain significance (1 of 4 stars; one submission).

gnomAD v4.1: 2 of 1,609,274 alleles (0.00012%); highest among the groups gnomAD compares: Non-Finnish European, 0.00017%; no homozygotes.

Submission:

Labcorp Genetics (formerly Invitae), Labcorp
Classification: Uncertain significance. Last evaluated: 2023-12-21. Review status: criteria provided, single submitter. Criteria: Invitae Variant Classification Sherloc (09022015). Collection method: clinical testing. Allele origin: germline.
Comment: This sequence change falls in intron 1 of the AP3D1 gene. It does not directly change the encoded amino acid sequence of the AP3D1 protein. It affects a nucleotide within the consensus splice site. This variant is not present in population databases (gnomAD no frequency). This variant has not been reported in the literature in individuals affected with AP3D1-related conditions. Variants that disrupt the consensus splice site are a relatively common cause of aberrant splicing (PMID: 17576681, 9536098). Algorithms developed to predict the effect of sequence changes on RNA splicing suggest that this variant is not likely to affect RNA splicing. In summary, the available evidence is currently insufficient to determine the role of this variant in disease. Therefore, it has been classified as a Variant of Uncertain Significance.

Literature cited by the submitters: PubMed 17576681; PubMed 9536098.

NM_001261826.3(AP3D1):c.96+6C>G

Gene: AP3D1 (adaptor related protein complex 3 subunit delta 1; minus strand). Cytogenetic location: 19p13.3.
Variant type: single nucleotide variant.
Coding change: c.96+6C>G on transcript NM_001261826.3 (MANE Select); 6 bases into the intron after coding-DNA position 96, C replaced by G.
Molecular consequence: intron variant.
Genome position (GRCh38, 1-based): chr19:2,151,233, G>C on the plus strand (C>G on the coding strand, the complement: AP3D1 is on the minus strand). VCF-style: chr19-2151233-G-C. GRCh37 (hg19) VCF-style: chr19-2151232-G-C.
Other names: c.96+6C>G (NM_003938.8, NM_001374799.1).
Identifiers: ClinVar variation 2872838 (VCV002872838.3), dbSNP rs762659323, ClinGen allele CA2576557021.
Genomic context (GRCh38, chr19:2,151,233, plus strand): 5'-AGCAGGGCTGGGCCCTGGGCCGGGGCTGTGACCAGGCCGAGCAGCCCCTTGGCGCGCCGG[G>C]CTCACCTCGTCCTCCTTGTGGTTACGGATGCCGCGGACCAAGTCCTGCAGATTCTTGTCG-3'